The following is an entry in ClinVar:

NM_182943.3(PLOD2):c.565GAT[4] (p.Asp191_Gln192insAsp)

Gene: PLOD2 (procollagen-lysine,2-oxoglutarate 5-dioxygenase 2; minus strand). Cytogenetic location: 3q24.
Variant type: Microsatellite.
Coding change: c.565GAT[4] on transcript NM_182943.3 (MANE Select); four copies in a row of the 3-base unit GAT starting at c.565; the reference has three copies in a row; one copy, 3 bases duplicated.
Protein change: p.Asp191_Gln192insAsp.
Molecular consequence: inframe insertion.
Genome position (GRCh38, 1-based): chr3:146,106,574-146,106,576, ATC duplicated on the plus strand (GAT on the coding strand, the reverse complement: PLOD2 is on the minus strand); duplicating any 3 consecutive bases within chr3:146,106,574-146,106,584 gives the same sequence; the position shown is the placement nearest the transcript's 3' end. VCF-style (leftmost placement, unchanged base first): chr3-146106573-G-GATC. GRCh37 (hg19) VCF-style: chr3-145824360-G-GATC.
Other names: c.565GAT[4], p.Asp191_Gln192insAsp (NM_000935.3).
Identifiers: ClinVar variation 2181969 (VCV002181969.4), dbSNP rs752976473, ClinGen allele CA2655198.

ClinVar aggregate classification (germline): Uncertain significance (1 of 4 stars; one submission).

Submission:

Labcorp Genetics (formerly Invitae), Labcorp
Classification: Uncertain significance. Last evaluated: 2022-01-02. Review status: criteria provided, single submitter. Criteria: Invitae Variant Classification Sherloc (09022015). Collection method: clinical testing. Allele origin: germline.
Comment: This variant, c.571_573dup, results in the insertion of 1 amino acid(s) of the PLOD2 protein (p.Asp191dup), but otherwise preserves the integrity of the reading frame. In summary, the available evidence is currently insufficient to determine the role of this variant in disease. Therefore, it has been classified as a Variant of Uncertain Significance. This variant has not been reported in the literature in individuals affected with PLOD2-related conditions. This variant is present in population databases (rs752976473, gnomAD 0.01%).